The following is an entry in ClinVar:

NM_003200.5(TCF3):c.1862G>A (p.Arg621Gln)

Gene: TCF3 (transcription factor 3; minus strand). Cytogenetic location: 19p13.3.
Variant type: single nucleotide variant.
Coding change: c.1862G>A on transcript NM_003200.5 (MANE Select); coding-DNA position 1862, G replaced by A.
Protein change: p.Arg621Gln; replaces arginine 621 with glutamine.
Molecular consequence: missense variant.
Genome position (GRCh38, 1-based): chr19:1,611,810, C>T on the plus strand (G>A on the coding strand, the complement: TCF3 is on the minus strand). VCF-style: chr19-1611810-C-T. GRCh37 (hg19) VCF-style: chr19-1611809-C-T.
Other names: c.1853G>A, p.Arg618Gln (NM_001136139.4, NM_001351779.2); c.1859G>A, p.Arg620Gln (NM_001351778.2); short protein forms R621Q, R618Q, R620Q.
Identifiers: ClinVar variation 2060166 (VCV002060166.4), dbSNP rs779908158, ClinGen allele CA403048204.

ClinVar aggregate classification (germline): Uncertain significance (1 of 4 stars; one submission).

gnomAD v4.1: 8 of 1,613,340 alleles (0.0005%); highest among the groups gnomAD compares: Admixed American, 0.0017%; no homozygotes.

Submission:

Labcorp Genetics (formerly Invitae), Labcorp
Classification: Uncertain significance. Last evaluated: 2023-12-15. Review status: criteria provided, single submitter. Criteria: Invitae Variant Classification Sherloc (09022015). Collection method: clinical testing. Allele origin: germline.
Comment: This sequence change replaces arginine, which is basic and polar, with glutamine, which is neutral and polar, at codon 621 of the TCF3 protein (p.Arg621Gln). This variant is not present in population databases (gnomAD no frequency). This variant has not been reported in the literature in individuals affected with TCF3-related conditions. ClinVar contains an entry for this variant (Variation ID: 2060166). Advanced modeling of protein sequence and biophysical properties (such as structural, functional, and spatial information, amino acid conservation, physicochemical variation, residue mobility, and thermodynamic stability) performed at Invitae indicates that this missense variant is expected to disrupt TCF3 protein function with a positive predictive value of 80%. In summary, the available evidence is currently insufficient to determine the role of this variant in disease. Therefore, it has been classified as a Variant of Uncertain Significance.